The following is an entry in ClinVar:

ClinVar aggregate classification (germline): Likely benign (0 of 4 stars; one submission).

Conditions:
B4GALT1-related disorder. Also called: B4GALT1-related condition.

gnomAD v4.1: 1 of 1,601,838 alleles (0.000062%); highest among the groups gnomAD compares: Admixed American, 0.0017%; no homozygotes.

Submission:

PreventionGenetics, part of Exact Sciences
Classification: Likely benign for B4GALT1-related condition. Last evaluated: 2020-01-27. Review status: no assertion criteria provided. Collection method: clinical testing. Allele origin: germline.
Comment: This variant is classified as likely benign based on ACMG/AMP sequence variant interpretation guidelines (Richards et al. 2015 PMID: 25741868, with internal and published modifications).

NM_001497.4(B4GALT1):c.39G>T (p.Ala13=)

Genes: B4GALT1 (beta-1,4-galactosyltransferase 1; minus strand), B4GALT1-AS1 (B4GALT1 antisense RNA 1; plus strand). Cytogenetic location: 9p21.1.
Variant type: single nucleotide variant.
Coding change: c.39G>T on transcript NM_001497.4 (MANE Select); coding-DNA position 39, G replaced by T.
Protein change: p.Ala13=; no amino-acid change (alanine 13 retained).
Molecular consequence: synonymous variant. On other transcripts: 5 prime UTR variant (1).
Genome position (GRCh38, 1-based): chr9:33,167,131, C>A on the plus strand (G>T on the coding strand, the complement: B4GALT1 is on the minus strand). VCF-style: chr9-33167131-C-A. GRCh37 (hg19) VCF-style: chr9-33167129-C-A.
Other names: c.-1G>T (NM_001378495.1); c.39G>T, p.Ala13= (NM_001378496.1, NM_001378497.1).
Identifiers: ClinVar variation 3052014 (VCV003052014.2), dbSNP rs374769857, ClinGen allele CA464586468.